The following is an entry in ClinVar:

NM_000718.4(CACNA1B):c.5778-2A>C

Gene: CACNA1B (calcium voltage-gated channel subunit alpha1 B; plus strand). Cytogenetic location: 9q34.3.
Variant type: single nucleotide variant.
Coding change: c.5778-2A>C on transcript NM_000718.4 (MANE Select); the canonical splice acceptor site of the intron before coding-DNA position 5778, A replaced by C.
Molecular consequence: splice acceptor variant.
Genome position (GRCh38, 1-based): chr9:138,117,944, A>C. VCF-style: chr9-138117944-A-C. GRCh37 (hg19) VCF-style: chr9-141012396-A-C.
Other names: c.5778-2A>C (NM_001243812.2).
Identifiers: ClinVar variation 3726549 (VCV003726549.2).
Genomic context (GRCh38, chr9:138,117,944, plus strand): 5'-CTATTGGTAAGGCACCTGCAGTCTCTGACCCTACAGGAATCTGTTTGTCTTCTCTGCCAC[A>C]GACAAAACCAAGAGAGTGGCATCAAAGAGTCTGTCTCCTGGGGCACTCAAAGGACCCAGG-3'

ClinVar aggregate classification (germline): Likely pathogenic (1 of 4 stars; one submission).

Submission:

Labcorp Genetics (formerly Invitae), Labcorp
Classification: Likely pathogenic. Last evaluated: 2024-12-03. Review status: criteria provided, single submitter. Criteria: Invitae Variant Classification Sherloc (09022015). Collection method: clinical testing. Allele origin: germline.
Comment: This sequence change affects an acceptor splice site in intron 42 of the CACNA1B gene. It is expected to disrupt RNA splicing. Variants that disrupt the donor or acceptor splice site typically lead to a loss of protein function (PMID: 16199547), and loss-of-function variants in CACNA1B are known to be pathogenic (PMID: 30982612). This variant is not present in population databases (gnomAD no frequency). This variant has not been reported in the literature in individuals affected with CACNA1B-related conditions. Algorithms developed to predict the effect of sequence changes on RNA splicing suggest that this variant may disrupt the consensus splice site. In summary, the currently available evidence indicates that the variant is pathogenic, but additional data are needed to prove that conclusively. Therefore, this variant has been classified as Likely Pathogenic.

Literature cited by the submitters: PubMed 16199547; PubMed 30982612.